The following is an entry in ClinVar:

NM_207346.3(TSEN54):c.25G>A (p.Ala9Thr)

Genes: TSEN54 (tRNA splicing endonuclease subunit 54; plus strand), LOC112533671 (Sharpr-MPRA regulatory region 12010; plus strand). Cytogenetic location: 17q25.1.
Variant type: single nucleotide variant.
Coding change: c.25G>A on transcript NM_207346.3 (MANE Select); coding-DNA position 25, G replaced by A.
Protein change: p.Ala9Thr; replaces alanine 9 with threonine.
Molecular consequence: missense variant.
Genome position (GRCh38, 1-based): chr17:75,516,585, G>A. VCF-style: chr17-75516585-G-A. GRCh37 (hg19) VCF-style: chr17-73512666-G-A.
Other names: c.25G>A (NM_207346.2); short protein forms A9T.
Identifiers: ClinVar variation 1522975 (VCV001522975.5), dbSNP rs1217808253, ClinGen allele CA401026833.

ClinVar aggregate classification (germline): Uncertain significance. Review status: criteria provided, multiple submitters, no conflicts (2 of 4 stars). 3 submissions from 3 submitters: Uncertain significance (3). Last evaluated 2025-06-26.

Conditions:
Inborn genetic diseases. Identifiers: MedGen C0950123, MeSH D030342.

Allele frequency attached by ClinVar (database versions not stated): TOPMed 0.00003; gnomAD 0.00005 and 0.00006.
gnomAD v4.1: 60 of 1,156,190 alleles (0.0052%); highest among the groups gnomAD compares: Admixed American, 0.038%; no homozygotes.

Submissions (3):

GeneDx
Classification: Uncertain significance. Last evaluated: 2025-06-26. Review status: criteria provided, single submitter. Criteria: GeneDx Variant Classification Process June 2021. Collection method: clinical testing. Allele origin: germline. Affected: yes.
Comment: Not observed at significant frequency in large population cohorts (gnomAD); In silico analysis suggests that this missense variant does not alter protein structure/function; Has not been previously published as pathogenic or benign to our knowledge

Ambry Genetics
Classification: Uncertain significance for Inborn genetic diseases. Last evaluated: 2024-12-17. Review status: criteria provided, single submitter. Criteria: Ambry Variant Classification Scheme 2023. Collection method: clinical testing. Allele origin: germline.

Labcorp Genetics (formerly Invitae), Labcorp
Classification: Uncertain significance. Last evaluated: 2021-12-07. Review status: criteria provided, single submitter. Criteria: Invitae Variant Classification Sherloc (09022015). Collection method: clinical testing. Allele origin: germline.
Comment: This sequence change replaces alanine, which is neutral and non-polar, with threonine, which is neutral and polar, at codon 9 of the TSEN54 protein (p.Ala9Thr). This variant is present in population databases (no rsID available, gnomAD 0.007%). This variant has not been reported in the literature in individuals affected with TSEN54-related conditions. Algorithms developed to predict the effect of missense changes on protein structure and function output the following: SIFT: "Tolerated"; PolyPhen-2: "Not Available"; Align-GVGD: "Class C0". The threonine amino acid residue is found in multiple mammalian species, which suggests that this missense change does not adversely affect protein function. In summary, the available evidence is currently insufficient to determine the role of this variant in disease. Therefore, it has been classified as a Variant of Uncertain Significance.